The following is an entry in ClinVar:

ClinVar aggregate classification (germline): Uncertain significance (1 of 4 stars; one submission).

Conditions:
Tumor predisposition syndrome 3 (TPDS3). Also called: Glioma susceptibility 9; Melanoma, cutaneous malignant, susceptibility to, 10; LONG TELOMERE SYNDROME, POT1-RELATED; POT1 Tumor Predisposition. Identifiers: Orphanet 618, MedGen C4014476, MONDO:0014368, OMIM 615848.

Allele frequency attached by ClinVar (database versions not stated): gnomAD exomes below 0.00001.
gnomAD v4.1: 1 of 1,582,472 alleles (0.000063%); highest among the groups gnomAD compares: Non-Finnish European, 0.000086%; no homozygotes.

Submission:

Labcorp Genetics (formerly Invitae), Labcorp
Classification: Uncertain significance for Tumor predisposition syndrome 3. Last evaluated: 2023-10-23. Review status: criteria provided, single submitter. Criteria: Invitae Variant Classification Sherloc (09022015). Collection method: clinical testing. Allele origin: germline.
Comment: This sequence change replaces histidine, which is basic and polar, with arginine, which is basic and polar, at codon 340 of the POT1 protein (p.His340Arg). This variant is not present in population databases (gnomAD no frequency). This variant has not been reported in the literature in individuals affected with POT1-related conditions. Advanced modeling of protein sequence and biophysical properties (such as structural, functional, and spatial information, amino acid conservation, physicochemical variation, residue mobility, and thermodynamic stability) performed at Invitae indicates that this missense variant is not expected to disrupt POT1 protein function. In summary, the available evidence is currently insufficient to determine the role of this variant in disease. Therefore, it has been classified as a Variant of Uncertain Significance.

NM_015450.3(POT1):c.1019A>G (p.His340Arg)

Gene: POT1 (protection of telomeres 1; minus strand). Cytogenetic location: 7q31.33.
Variant type: single nucleotide variant.
Coding change: c.1019A>G on transcript NM_015450.3 (MANE Select); coding-DNA position 1019, A replaced by G.
Protein change: p.His340Arg; replaces histidine 340 with arginine.
Molecular consequence: missense variant. On other transcripts: non-coding transcript variant (3).
Genome position (GRCh38, 1-based): chr7:124,842,951, T>C on the plus strand (A>G on the coding strand, the complement: POT1 is on the minus strand). VCF-style: chr7-124842951-T-C. GRCh37 (hg19) VCF-style: chr7-124483005-T-C.
Other names: c.626A>G, p.His209Arg (NM_001042594.2); short protein forms H209R, H340R.
Identifiers: ClinVar variation 2771143 (VCV002771143.3), dbSNP rs2485402759, ClinGen allele CA369068619.